The following is an entry in ClinVar:

ClinVar aggregate classification (germline): Uncertain significance (1 of 4 stars; one submission).

Submission:

Labcorp Genetics (formerly Invitae), Labcorp
Classification: Uncertain significance. Last evaluated: 2022-09-12. Review status: criteria provided, single submitter. Criteria: Invitae Variant Classification Sherloc (09022015). Collection method: clinical testing. Allele origin: germline.
Comment: ClinVar contains an entry for this variant (Variation ID: 1367000). This variant has not been reported in the literature in individuals affected with AGBL5-related conditions. This variant is not present in population databases (gnomAD no frequency). This sequence change replaces glycine, which is neutral and non-polar, with alanine, which is neutral and non-polar, at codon 36 of the AGBL5 protein (p.Gly36Ala). In summary, the available evidence is currently insufficient to determine the role of this variant in disease. Therefore, it has been classified as a Variant of Uncertain Significance. Algorithms developed to predict the effect of missense changes on protein structure and function output the following: SIFT: "Tolerated"; PolyPhen-2: "Benign"; Align-GVGD: "Class C0". The alanine amino acid residue is found in multiple mammalian species, which suggests that this missense change does not adversely affect protein function.

NM_021831.6(AGBL5):c.107G>C (p.Gly36Ala)

Gene: AGBL5 (AGBL carboxypeptidase 5; plus strand). Cytogenetic location: 2p23.3.
Variant type: single nucleotide variant.
Coding change: c.107G>C on transcript NM_021831.6 (MANE Select); coding-DNA position 107, G replaced by C.
Protein change: p.Gly36Ala; replaces glycine 36 with alanine.
Molecular consequence: missense variant. On other transcripts: non-coding transcript variant (2).
Genome position (GRCh38, 1-based): chr2:27,053,065, G>C. VCF-style: chr2-27053065-G-C. GRCh37 (hg19) VCF-style: chr2-27275933-G-C.
Other names: c.107G>C, p.Gly36Ala (NM_001035507.3); short protein forms G36A.
Identifiers: ClinVar variation 1367000 (VCV001367000.6), dbSNP rs2148267566, ClinGen allele CA346167382.